The following is an entry in ClinVar:

ClinVar aggregate classification (germline): Conflicting classifications of pathogenicity. Review status: no assertion criteria provided (0 of 4 stars). 3 submissions from 3 submitters: Pathogenic (1); Uncertain significance (1). 1 of the submissions does not count toward it. Last evaluated 2018-01-17.

Conditions:
Ceroid lipofuscinosis, neuronal, 6B (Kufs type). Also called: Neuronal ceroid lipofuscinosis 4A. Identifiers: Orphanet 700477, MedGen C5561927, MONDO:0008768, OMIM 204300.
Ceroid lipofuscinosis, neuronal, 6A. Also called: Neuronal ceroid lipofuscinosis, Gypsy/Indian early juvenile variant; Neuronal ceroid lipofuscinosis 6; CLN6-Related Neuronal Ceroid-Lipofuscinosis; Neuronal ceroid lipofuscinosis, late infantile, variant. Identifiers: Orphanet 168491, Orphanet 228363, MedGen C5551375, MONDO:0011144, OMIM 601780.

Submissions (3):

Counsyl
Classification: Uncertain significance for Ceroid lipofuscinosis, neuronal, 6A. Last evaluated: 2018-01-17. Review status: no assertion criteria provided. Collection method: clinical testing. Allele origin: unknown.

OMIM
Classification: Pathogenic for CEROID LIPOFUSCINOSIS, NEURONAL, 6B (KUFS TYPE). Last evaluated: 2011-05-13. Review status: no assertion criteria provided. Collection method: literature only. Allele origin: germline.

SNPedia
No classification provided. Review status: no classification provided. Collection method: not provided. Allele origin: germline. Not counted in ClinVar's aggregate classification.
Comment: Kufs Type A disease

Literature cited by the submitters: PubMed 21549341 (cited by Counsyl and OMIM).

NM_017882.3(CLN6):c.139C>T (p.Leu47Phe)

Gene: CLN6 (CLN6 transmembrane ER protein; minus strand). Cytogenetic location: 15q23.
Variant type: single nucleotide variant.
Coding change: c.139C>T on transcript NM_017882.3 (MANE Select); coding-DNA position 139, C replaced by T.
Protein change: p.Leu47Phe; replaces leucine 47 with phenylalanine.
Molecular consequence: missense variant.
Genome position (GRCh38, 1-based): chr15:68,218,595, G>A on the plus strand (C>T on the coding strand, the complement: CLN6 is on the minus strand). VCF-style: chr15-68218595-G-A. GRCh37 (hg19) VCF-style: chr15-68510933-G-A.
Other names: short protein forms L47F.
Identifiers: ClinVar variation 30601 (VCV000030601.5), dbSNP rs154774635, ClinGen allele CA259852.
Genomic context (GRCh38, chr15:68,218,595, plus strand): 5'-CCATGGCAATGGGACGCCCAAAGTCCAGAACCCAGTTCTGCAGTGTGAAGTAGAACCAGA[G>A]GTCGAGGTGGAAGGGAGCCGTGCGGGCAGCCTCATCAGCGCTCACAGAGCCATGCCTGGG-3'
Protein context (NP_060352.1, residues 37-57): AARTAPFHLD[Leu47Phe]WFYFTLQNWV